The following is an entry in ClinVar:

ClinVar aggregate classification (germline): Uncertain significance (1 of 4 stars; one submission).

gnomAD v4.1: 2 of 1,613,868 alleles (0.00012%); highest among the groups gnomAD compares: Non-Finnish European, 0.00017%; no homozygotes.

Submission:

Women's Health and Genetics/Laboratory Corporation of America, LabCorp
Classification: Uncertain significance. Last evaluated: 2025-07-07. Review status: criteria provided, single submitter. Criteria: LabCorp Variant Classification Summary - May 2015. Collection method: clinical testing. Allele origin: germline.
Comment: Variant summary: COL1A1 c.3706A>C (p.Lys1236Gln) results in a conservative amino acid change located in the Fibrillar collagens C-terminal domain (IPR000885) of the encoded protein sequence. Algorithms developed to predict the effect of missense changes on protein structure and function are either unavailable or do not agree on the potential impact of this missense change. The variant was absent in 251334 control chromosomes. The available data on variant occurrences in the general population are insufficient to allow any conclusion about variant significance. To our knowledge, no occurrence of c.3706A>C in individuals affected with Osteogenesis imperfecta type I and no experimental evidence demonstrating its impact on protein function have been reported. No submitters have cited clinical-significance assessments for this variant to ClinVar. Based on the evidence outlined above, the variant was classified as uncertain significance.

NM_000088.4(COL1A1):c.3706A>C (p.Lys1236Gln)

Gene: COL1A1 (collagen type I alpha 1 chain; minus strand). Cytogenetic location: 17q21.33.
Variant type: single nucleotide variant.
Coding change: c.3706A>C on transcript NM_000088.4 (MANE Select); coding-DNA position 3706, A replaced by C.
Protein change: p.Lys1236Gln; replaces lysine 1236 with glutamine.
Molecular consequence: missense variant.
Genome position (GRCh38, 1-based): chr17:50,186,748, T>G on the plus strand (A>C on the coding strand, the complement: COL1A1 is on the minus strand). VCF-style: chr17-50186748-T-G. GRCh37 (hg19) VCF-style: chr17-48264109-T-G.
Other names: short protein forms K1236Q.
Identifiers: ClinVar variation 4526120 (VCV004526120.1).